The following is an entry in ClinVar:

NM_001846.4(COL4A2):c.45-1G>A

Gene: COL4A2 (collagen type IV alpha 2 chain; plus strand). Cytogenetic location: 13q34.
Variant type: single nucleotide variant.
Coding change: c.45-1G>A on transcript NM_001846.4 (MANE Select); the canonical splice acceptor site of the intron before coding-DNA position 45, G replaced by A.
Molecular consequence: splice acceptor variant.
Genome position (GRCh38, 1-based): chr13:110,308,068, G>A. VCF-style: chr13-110308068-G-A. GRCh37 (hg19) VCF-style: chr13-110960415-G-A.
Identifiers: ClinVar variation 2504373 (VCV002504373.1), dbSNP rs2501845793, ClinGen allele CA388733059.

ClinVar aggregate classification (germline): Uncertain significance (1 of 4 stars; one submission).

Submission:

GeneDx
Classification: Uncertain significance. Last evaluated: 2022-12-02. Review status: criteria provided, single submitter. Criteria: GeneDx Variant Classification Process June 2021. Collection method: clinical testing. Allele origin: germline. Affected: yes.
Comment: Not observed at significant frequency in large population cohorts (gnomAD); Canonical splice site variant in a gene or region of a gene for which loss of function is not a well-established mechanism of disease; Has not been previously published as pathogenic or benign to our knowledge